The following is an entry in ClinVar:

NM_012200.4(B3GAT3):c.350C>T (p.Pro117Leu)

Gene: B3GAT3 (beta-1,3-glucuronyltransferase 3; minus strand). Cytogenetic location: 11q12.3.
Variant type: single nucleotide variant.
Coding change: c.350C>T on transcript NM_012200.4 (MANE Select); coding-DNA position 350, C replaced by T.
Protein change: p.Pro117Leu; replaces proline 117 with leucine.
Molecular consequence: missense variant. On other transcripts: non-coding transcript variant (1).
Genome position (GRCh38, 1-based): chr11:62,617,255, G>A on the plus strand (C>T on the coding strand, the complement: B3GAT3 is on the minus strand). VCF-style: chr11-62617255-G-A. GRCh37 (hg19) VCF-style: chr11-62384727-G-A.
Other names: c.329C>T, p.Pro110Leu (NM_001288721.2); c.350C>T, p.Pro117Leu (NM_001288722.2, NM_001288723.2); short protein forms P117L, P110L.
Identifiers: ClinVar variation 2071395 (VCV002071395.1), dbSNP rs2496240209, ClinGen allele CA380977165.
Genomic context (GRCh38, chr11:62,617,255, plus strand): 5'-ACCACCAGGTGTGTGAAGAGGAGGCCAGAGGCAGCCAGCAGCCCTGAGACCAGCGGGGTG[G>A]GACCCTCAGCATCCTCCACCAGCAGCCAATGCAGCCGGGGCACCAGGCTCAGTGTCTGGG-3'
Protein context (NP_036332.2, residues 107-127): HWLLVEDAEG[Pro117Leu]TPLVSGLLAA

ClinVar aggregate classification (germline): Uncertain significance (1 of 4 stars; one submission).

Conditions:
Larsen-like syndrome, B3GAT3 type. Also called: MULTIPLE JOINT DISLOCATIONS, SHORT STATURE, AND CRANIOFACIAL DYSMORPHISM WITH OR WITHOUT CONGENITAL HEART DEFECTS; Multiple joint dislocations, short stature, craniofacial dysmorphism, with or without congenital heart defects. Identifiers: Orphanet 284139, MedGen CN034159, MONDO:0009511, OMIM 245600.

Allele frequency attached by ClinVar (database versions not stated): gnomAD exomes below 0.00001.

Submission:

Labcorp Genetics (formerly Invitae), Labcorp
Classification: Uncertain significance for Larsen-like syndrome, B3GAT3 type. Last evaluated: 2022-08-18. Review status: criteria provided, single submitter. Criteria: Invitae Variant Classification Sherloc (09022015). Collection method: clinical testing. Allele origin: germline.
Comment: This sequence change replaces proline, which is neutral and non-polar, with leucine, which is neutral and non-polar, at codon 117 of the B3GAT3 protein (p.Pro117Leu). This variant is not present in population databases (gnomAD no frequency). This variant has not been reported in the literature in individuals affected with B3GAT3-related conditions. Algorithms developed to predict the effect of missense changes on protein structure and function (SIFT, PolyPhen-2, Align-GVGD) all suggest that this variant is likely to be tolerated. In summary, the available evidence is currently insufficient to determine the role of this variant in disease. Therefore, it has been classified as a Variant of Uncertain Significance.